The following is an entry in ClinVar:

ClinVar aggregate classification (germline): Likely pathogenic (1 of 4 stars; one submission).

Submission:

GeneDx
Classification: Likely pathogenic. Last evaluated: 2024-02-20. Review status: criteria provided, single submitter. Criteria: GeneDx Variant Classification Process June 2021. Collection method: clinical testing. Allele origin: germline. Affected: yes.
Comment: Not observed at significant frequency in large population cohorts (gnomAD); Missense variants in this gene are a common cause of disease and they are underrepresented in the general population; In silico analysis supports that this missense variant has a deleterious effect on protein structure/function; Has not been previously published as pathogenic or benign to our knowledge

NM_006306.4(SMC1A):c.2776C>T (p.Arg926Cys)

Gene: SMC1A (structural maintenance of chromosomes 1A; minus strand). Cytogenetic location: Xp11.22.
Variant type: single nucleotide variant.
Coding change: c.2776C>T on transcript NM_006306.4 (MANE Select); coding-DNA position 2776, C replaced by T.
Protein change: p.Arg926Cys; replaces arginine 926 with cysteine.
Molecular consequence: missense variant.
Genome position (GRCh38, 1-based): chrX:53,396,313, G>A on the plus strand (C>T on the coding strand, the complement: SMC1A is on the minus strand). VCF-style: chrX-53396313-G-A. GRCh37 (hg19) VCF-style: chrX-53423233-G-A.
Other names: c.2710C>T, p.Arg904Cys (NM_001281463.1); short protein forms R904C, R926C.
Identifiers: ClinVar variation 3369464 (VCV003369464.1).